The following is an entry in ClinVar:

NM_022455.5(NSD1):c.2452G>A (p.Asp818Asn)

Gene: NSD1 (nuclear receptor binding SET domain protein 1; plus strand). Cytogenetic location: 5q35.3.
Variant type: single nucleotide variant.
Coding change: c.2452G>A on transcript NM_022455.5 (MANE Select); coding-DNA position 2452, G replaced by A.
Protein change: p.Asp818Asn; replaces aspartic acid 818 with asparagine.
Molecular consequence: missense variant.
Genome position (GRCh38, 1-based): chr5:177,210,851, G>A. VCF-style: chr5-177210851-G-A. GRCh37 (hg19) VCF-style: chr5-176637852-G-A.
Other names: c.1579G>A, p.Asp527Asn (NM_001365684.2, NM_001409306.1, NM_001409307.1 and 3 more transcripts); c.2452G>A, p.Asp818Asn (NM_001409301.1, NM_001409302.1, NM_001409303.1); c.2032G>A, p.Asp678Asn (NM_001409304.1); c.1699G>A, p.Asp567Asn (NM_001409305.1); short protein forms D527N, D567N, D678N, D818N.
Identifiers: ClinVar variation 2581869 (VCV002581869.1), dbSNP rs2480455118, ClinGen allele CA362317915.
Genomic context (GRCh38, chr5:177,210,851, plus strand): 5'-CCAGTTATGGCAGAACCCCCAGTTATAAATGAGGAGTGCAGTTTGAAATGCTGCTCTTCT[G>A]ATACCAAAGGCTCTCCTTTGGCCAGCATTTCTAAAAGTGGGAAAGTGGATGGTCTAAAAC-3'
Protein context (NP_071900.2, residues 808-828): EECSLKCCSS[Asp818Asn]TKGSPLASIS

ClinVar aggregate classification (germline): Uncertain significance (1 of 4 stars; one submission).

Submission:

GeneDx
Classification: Uncertain significance. Last evaluated: 2023-03-31. Review status: criteria provided, single submitter. Criteria: GeneDx Variant Classification Process June 2021. Collection method: clinical testing. Allele origin: germline. Affected: yes.
Comment: Not observed at significant frequency in large population cohorts (gnomAD); In silico analysis supports that this missense variant does not alter protein structure/function; Has not been previously published as pathogenic or benign to our knowledge